The following is an entry in ClinVar:

NM_016457.5(PRKD2):c.572C>T (p.Ala191Val)

Gene: PRKD2 (protein kinase D2; minus strand). Cytogenetic location: 19q13.32.
Variant type: single nucleotide variant.
Coding change: c.572C>T on transcript NM_016457.5 (MANE Select); coding-DNA position 572, C replaced by T.
Protein change: p.Ala191Val; replaces alanine 191 with valine.
Molecular consequence: missense variant.
Genome position (GRCh38, 1-based): chr19:46,704,589, G>A on the plus strand (C>T on the coding strand, the complement: PRKD2 is on the minus strand). VCF-style: chr19-46704589-G-A. GRCh37 (hg19) VCF-style: chr19-47207846-G-A.
Other names: c.572C>T, p.Ala191Val (NM_001079880.2, NM_001079881.2); c.101C>T, p.Ala34Val (NM_001079882.2); short protein forms A191V, A34V.
Identifiers: ClinVar variation 3044983 (VCV003044983.2), dbSNP rs144404837, ClinGen allele CA9531105.

ClinVar aggregate classification (germline): Likely benign (0 of 4 stars; one submission).

Conditions:
PRKD2-related disorder. Also called: PRKD2-related condition.

Allele frequency attached by ClinVar (database versions not stated): 1000 Genomes Project 0.00060; 1000 Genomes Project 30x 0.00062; ESP Exome Variant Server 0.00077; gnomAD 0.00089; TOPMed 0.00091; ExAC 0.00110.
gnomAD v4.1: 1,627 of 1,613,994 alleles (0.1%); highest among the groups gnomAD compares: Middle Eastern, 0.45%; 5 homozygotes.

Submission:

PreventionGenetics, part of Exact Sciences
Classification: Likely benign for PRKD2-related condition. Last evaluated: 2022-04-01. Review status: no assertion criteria provided. Collection method: clinical testing. Allele origin: germline.
Comment: This variant is classified as likely benign based on ACMG/AMP sequence variant interpretation guidelines (Richards et al. 2015 PMID: 25741868, with internal and published modifications).